The following is an entry in ClinVar:

NM_000083.3(CLCN1):c.475del (p.Leu159fs)

Gene: CLCN1 (chloride voltage-gated channel 1; plus strand). Cytogenetic location: 7q34.
Variant type: Deletion.
Coding change: c.475del on transcript NM_000083.3 (MANE Select); coding-DNA position 475, one base deleted (C; older notation c.475delC).
Protein change: p.Leu159fs; shifts the reading frame from leucine 159.
Molecular consequence: frameshift variant. On other transcripts: non-coding transcript variant (1).
Genome position (GRCh38, 1-based): chr7:143,321,406, C deleted. VCF-style (leftmost placement, unchanged base first): chr7-143321405-TC-T. GRCh37 (hg19) VCF-style: chr7-143018498-TC-T.
Other names: c.475delC (NM_000083.3); short protein forms L159fs.
Identifiers: ClinVar variation 949837 (VCV000949837.3), dbSNP rs1802428440, ClinGen allele CA1139660299.

ClinVar aggregate classification (germline): Pathogenic/Likely pathogenic. Review status: criteria provided, multiple submitters, no conflicts (2 of 4 stars). 3 submissions from 3 submitters: Pathogenic (2); Likely pathogenic (1). Last evaluated 2025-08-19.

Conditions:
Congenital myotonia, autosomal dominant form (THD). Also called: THOMSEN DISEASE; Myotonia congenita autosomal dominant. Identifiers: Orphanet 614, MedGen C2936781, MONDO:0008055, OMIM 160800.
Congenital myotonia, autosomal recessive form. Also called: BECKER DISEASE; Becker Generalized Myotonia; myotonia congenita, autosomal recessive. Identifiers: Orphanet 614, MedGen C0751360, MONDO:0009715, OMIM 255700.

Submissions (3):

3billion
Classification: Pathogenic for Congenital myotonia, autosomal recessive form. Last evaluated: 2025-08-19. Review status: criteria provided, single submitter. Criteria: ACMG Guidelines, 2015. Collection method: clinical testing. Allele origin: germline. Affected: yes.
Comment: The variant is not observed in the gnomAD v4.1.0 dataset. Predicted Consequence/Location: Frameshift: predicted to result in a loss or disruption of normal protein function through nonsense-mediated decay (NMD) or protein truncation. Multiple pathogenic variants are reported downstream of the variant. The variant has been reported to be in trans with a pathogenic variant as either compound heterozygous or homozygous in at least one similarly affected unrelated individual (PMID: 29480456). The variant has been reported at least twice as pathogenic without evidence for the classification (ClinVar ID: VCV000949837 /PMID: 29480456). Therefore, this variant is classified as Pathogenic according to the recommendation of ACMG/AMP guideline.

Kariminejad - Najmabadi Pathology & Genetics Center
Classification: Likely pathogenic for Congenital myotonia, autosomal recessive form. Last evaluated: 2021-04-20. Review status: criteria provided, single submitter. Criteria: ACMG Guidelines, 2015. Collection method: clinical testing. Allele origin: germline. Inheritance: Autosomal recessive inheritance. Affected: yes.
Comment: PVS1 PM2

Labcorp Genetics (formerly Invitae), Labcorp
Classification: Pathogenic for Congenital myotonia, autosomal recessive form; Congenital myotonia, autosomal dominant form. Last evaluated: 2019-10-07. Review status: criteria provided, single submitter. Criteria: Invitae Variant Classification Sherloc (09022015). Collection method: clinical testing. Allele origin: germline.
Comment: This sequence change creates a premature translational stop signal (p.Leu159Cysfs*11) in the CLCN1 gene. It is expected to result in an absent or disrupted protein product. This variant is not present in population databases (ExAC no frequency). This variant has been observed in an individual affected with autosomal recessive myotonia congenita (PMID: 29480456). Loss-of-function variants in CLCN1 are known to be pathogenic (PMID: 17932099, 22094069, 23739125). For these reasons, this variant has been classified as Pathogenic.

Literature cited by the submitters: PubMed 29480456 (cited by 3billion and Labcorp Genetics (formerly Invitae), Labcorp).